The following is an entry in ClinVar:

ClinVar aggregate classification (germline): Pathogenic (1 of 4 stars; one submission).

Submission:

Labcorp Genetics (formerly Invitae), Labcorp
Classification: Pathogenic. Last evaluated: 2023-12-25. Review status: criteria provided, single submitter. Criteria: Invitae Variant Classification Sherloc (09022015). Collection method: clinical testing. Allele origin: germline.
Comment: This sequence change creates a premature translational stop signal (p.Gln3163*) in the USH2A gene. It is expected to result in an absent or disrupted protein product. Loss-of-function variants in USH2A are known to be pathogenic (PMID: 10729113, 10909849, 20507924, 25649381). This variant is not present in population databases (gnomAD no frequency). This variant has not been reported in the literature in individuals affected with USH2A-related conditions. For these reasons, this variant has been classified as Pathogenic.

Literature cited by the submitters: PubMed 10729113; PubMed 10909849; PubMed 20507924; PubMed 25649381.

NM_206933.4(USH2A):c.9487C>T (p.Gln3163Ter)

Gene: USH2A (usherin; minus strand). Cytogenetic location: 1q41.
Variant type: single nucleotide variant.
Coding change: c.9487C>T on transcript NM_206933.4 (MANE Select); coding-DNA position 9487, C replaced by T.
Protein change: p.Gln3163Ter; replaces glutamine 3163 with a stop codon.
Molecular consequence: nonsense.
Genome position (GRCh38, 1-based): chr1:215,817,080, G>A on the plus strand (C>T on the coding strand, the complement: USH2A is on the minus strand). VCF-style: chr1-215817080-G-A. GRCh37 (hg19) VCF-style: chr1-215990422-G-A.
Other names: short protein forms Q3163*.
Identifiers: ClinVar variation 2705513 (VCV002705513.3), dbSNP rs188988614, ClinGen allele CA37428054.